The following is an entry in ClinVar:

ClinVar aggregate classification (germline): Uncertain significance (1 of 4 stars; one submission).

Conditions:
Familial thoracic aortic aneurysm and aortic dissection (TAAD). Also called: Thoracic aortic aneurysms and dissections. Identifiers: Orphanet 91387, MedGen C4707243, MONDO:0019625.

Submission:

Ambry Genetics
Classification: Uncertain significance for Familial thoracic aortic aneurysm and aortic dissection. Last evaluated: 2025-12-21. Review status: criteria provided, single submitter. Criteria: Ambry Variant Classification Scheme 2023. Collection method: clinical testing. Allele origin: germline.
Comment: The p.R316T variant (also known as c.947G>C), located in coding exon 8 of the PRKG1 gene, results from a G to C substitution at nucleotide position 947. The arginine at codon 316 is replaced by threonine, an amino acid with similar properties. This amino acid position is conserved. In addition, this alteration is predicted to be deleterious by in silico analysis. Based on the available evidence, the clinical significance of this variant remains unclear.

NM_006258.4(PRKG1):c.947G>C (p.Arg316Thr)

Gene: PRKG1 (protein kinase cGMP-dependent 1; plus strand). Cytogenetic location: 10q21.1.
Variant type: single nucleotide variant.
Coding change: c.947G>C on transcript NM_006258.4 (MANE Select); coding-DNA position 947, G replaced by C.
Protein change: p.Arg316Thr; replaces arginine 316 with threonine.
Molecular consequence: missense variant. On other transcripts: 5 prime UTR variant (1).
Genome position (GRCh38, 1-based): chr10:52,133,851, G>C. VCF-style: chr10-52133851-G-C. GRCh37 (hg19) VCF-style: chr10-53893611-G-C.
Other names: c.902G>C, p.Arg301Thr (NM_001098512.3); c.-263G>C (NM_001374781.1); short protein forms R316T, R301T.
Identifiers: ClinVar variation 4842689 (VCV004842689.1).